The following is an entry in ClinVar:

ClinVar aggregate classification (germline): Uncertain significance (1 of 4 stars; one submission).

Conditions:
Mosaic variegated aneuploidy syndrome 1 (MVA1). Also called: Warburton-Anyane-Yeboa syndrome. Identifiers: Orphanet 1052, MedGen C1850343, MONDO:0009759, OMIM 257300.

Submission:

Labcorp Genetics (formerly Invitae), Labcorp
Classification: Uncertain significance for Mosaic variegated aneuploidy syndrome 1. Last evaluated: 2020-03-06. Review status: criteria provided, single submitter. Criteria: Invitae Variant Classification Sherloc (09022015). Collection method: clinical testing. Allele origin: germline.
Comment: In summary, the available evidence is currently insufficient to determine the role of this variant in disease. Therefore, it has been classified as a Variant of Uncertain Significance. Nucleotide substitutions within the consensus splice site are a relatively common cause of aberrant splicing (PMID: 17576681, 9536098). Algorithms developed to predict the effect of sequence changes on RNA splicing suggest that this variant may disrupt the consensus splice site, but this prediction has not been confirmed by published transcriptional studies. This variant has not been reported in the literature in individuals with BUB1B-related conditions. This variant is not present in population databases (ExAC no frequency). This sequence change falls in intron 17 of the BUB1B gene. It does not directly change the encoded amino acid sequence of the BUB1B protein, but it affects a nucleotide within the consensus splice site of the intron.

Literature cited by the submitters: PubMed 17576681; PubMed 9536098.

NM_001211.6(BUB1B):c.2285-3C>A

Gene: BUB1B (BUB1 mitotic checkpoint serine/threonine kinase B; plus strand). Cytogenetic location: 15q15.1.
Variant type: single nucleotide variant.
Coding change: c.2285-3C>A on transcript NM_001211.6 (MANE Select); 3 bases into the intron before coding-DNA position 2285, C replaced by A.
Molecular consequence: intron variant.
Genome position (GRCh38, 1-based): chr15:40,210,107, C>A. VCF-style: chr15-40210107-C-A. GRCh37 (hg19) VCF-style: chr15-40502308-C-A.
Identifiers: ClinVar variation 1009532 (VCV001009532.10), dbSNP rs2037692138, ClinGen allele CA2171672504.
Genomic context (GRCh38, chr15:40,210,107, plus strand): 5'-TAAAAGCTACAGGGCTGTATATGTTCACAGTGATTTTTAAATGGAATCAAACTTTCTCAA[C>A]AGGTAATGAGGATTACTGCATTAAACGAGAATACCTAATATGTGAAGATTACAAGTTATT-3'